The following is an entry in ClinVar:

NM_017514.5(PLXNA3):c.4098G>A (p.Ser1366=)

Gene: PLXNA3 (plexin A3; plus strand). Cytogenetic location: Xq28.
Variant type: single nucleotide variant.
Coding change: c.4098G>A on transcript NM_017514.5 (MANE Select); coding-DNA position 4098, G replaced by A.
Protein change: p.Ser1366=; no amino-acid change (serine 1366 retained).
Molecular consequence: synonymous variant.
Genome position (GRCh38, 1-based): chrX:154,468,437, G>A. VCF-style: chrX-154468437-G-A. GRCh37 (hg19) VCF-style: chrX-153696780-G-A.
Identifiers: ClinVar variation 4979852 (VCV004979852.1).

ClinVar aggregate classification (germline): Likely benign (1 of 4 stars; one submission).

Conditions:
PLXNA3-related disorder. Also called: PLXNA3-related condition.

gnomAD v4.1: 39 of 1,210,070 alleles (0.0032%); highest among the groups gnomAD compares: East Asian, 0.095%; no homozygotes.

Submission:

PreventionGenetics, part of Exact Sciences
Classification: Likely benign for PLXNA3-related condition. Last evaluated: 2025-09-03. Review status: criteria provided, single submitter. Criteria: ACMG Guidelines, 2015. Collection method: clinical testing. Allele origin: germline.
Comment: This variant is classified as likely benign based on ACMG/AMP sequence variant interpretation guidelines (Richards et al. 2015 PMID: 25741868, with internal and published modifications).